The following is an entry in ClinVar:

NM_021922.3(FANCE):c.401G>A (p.Arg134His)

Gene: FANCE (FA complementation group E; plus strand). Cytogenetic location: 6p21.31.
Variant type: single nucleotide variant.
Coding change: c.401G>A on transcript NM_021922.3 (MANE Select); coding-DNA position 401, G replaced by A.
Protein change: p.Arg134His; replaces arginine 134 with histidine.
Molecular consequence: missense variant.
Genome position (GRCh38, 1-based): chr6:35,455,899, G>A. VCF-style: chr6-35455899-G-A. GRCh37 (hg19) VCF-style: chr6-35423676-G-A.
Other names: c.401G>A (NM_021922.2); short protein forms R134H.
Identifiers: ClinVar variation 1027036 (VCV001027036.7), dbSNP rs774939689, ClinGen allele CA3771403.

ClinVar aggregate classification (germline): Uncertain significance. Review status: criteria provided, multiple submitters, no conflicts (2 of 4 stars). 4 submissions from 4 submitters: Uncertain significance (4). Last evaluated 2025-02-20.

Conditions:
FANCE-related disorder. Also called: FANCE-related condition.
Inborn genetic diseases. Identifiers: MedGen C0950123, MeSH D030342.
Fanconi anemia complementation group E (FANCE). Also called: FANCE-Related Fanconi Anemia. Identifiers: Orphanet 84, MedGen C3160739, MONDO:0010953, OMIM 600901.

Allele frequency attached by ClinVar (database versions not stated): gnomAD exomes 0.00001; ExAC 0.00001.
gnomAD v4.1: 9 of 1,614,130 alleles (0.00056%); highest among the groups gnomAD compares: East Asian, 0.0022%; no homozygotes.

Submissions (4):

Ambry Genetics
Classification: Uncertain significance for Inborn genetic diseases. Last evaluated: 2025-02-20. Review status: criteria provided, single submitter. Criteria: Ambry Variant Classification Scheme 2023. Collection method: clinical testing. Allele origin: germline.

PreventionGenetics, part of Exact Sciences
Classification: Uncertain significance for FANCE-related condition. Last evaluated: 2025-02-13. Review status: criteria provided, single submitter. Criteria: ACMG Guidelines, 2015. Collection method: clinical testing. Allele origin: germline.
Comment: The FANCE c.401G>A variant is predicted to result in the amino acid substitution p.Arg134His. To our knowledge, this variant has not been reported in the literature. This variant is reported in 0.0054% of alleles in individuals of East Asian descent in gnomAD. At this time, the clinical significance of this variant is uncertain due to the absence of conclusive functional and genetic evidence.

Fulgent Genetics
Classification: Uncertain significance for Fanconi anemia complementation group E. Last evaluated: 2024-04-01. Review status: criteria provided, single submitter. Criteria: ACMG Guidelines, 2015. Collection method: clinical testing. Allele origin: germline.

Labcorp Genetics (formerly Invitae), Labcorp
Classification: Uncertain significance for Fanconi anemia complementation group E. Last evaluated: 2022-11-01. Review status: criteria provided, single submitter. Criteria: Invitae Variant Classification Sherloc (09022015). Collection method: clinical testing. Allele origin: germline.
Comment: This sequence change replaces arginine, which is basic and polar, with histidine, which is basic and polar, at codon 134 of the FANCE protein (p.Arg134His). This variant is present in population databases (rs774939689, gnomAD 0.006%). This variant has not been reported in the literature in individuals affected with FANCE-related conditions. ClinVar contains an entry for this variant (Variation ID: 1027036). Advanced modeling of protein sequence and biophysical properties (such as structural, functional, and spatial information, amino acid conservation, physicochemical variation, residue mobility, and thermodynamic stability) performed at Invitae indicates that this missense variant is not expected to disrupt FANCE protein function. In summary, the available evidence is currently insufficient to determine the role of this variant in disease. Therefore, it has been classified as a Variant of Uncertain Significance.